The following is an entry in ClinVar:

ClinVar aggregate classification (germline): Conflicting classifications of pathogenicity. Review status: criteria provided, conflicting classifications (1 of 4 stars). 4 submissions from 4 submitters: Uncertain significance (3); Likely benign (1). Last evaluated 2025-03-24.

Conditions:
Hereditary cancer-predisposing syndrome. Also called: Neoplastic Syndromes, Hereditary; Tumor predisposition; Hereditary neoplastic syndrome; Hereditary Cancer Syndrome. Identifiers: Orphanet 140162, MedGen C0027672, MeSH D009386, MONDO:0015356.
Hereditary breast ovarian cancer syndrome. Also called: Hereditary breast and ovarian cancer syndrome; Hereditary breast and ovarian cancer; Hereditary breast and ovarian cancer syndrome (HBOC); Breast and ovarian cancer; Hereditary breast and/or ovarian cancer syndrome; BRCA1- and BRCA2-Associated Hereditary Breast and Ovarian Cancer. Identifiers: Orphanet 145, MedGen C0677776, MeSH D061325, MONDO:0003582. Disease mechanism: loss of function.

Allele frequency attached by ClinVar (database versions not stated): gnomAD exomes below 0.00001.

Submissions (4):

Color Diagnostics, LLC DBA Color Health
Classification: Uncertain significance for Hereditary cancer-predisposing syndrome. Last evaluated: 2025-03-24. Review status: criteria provided, single submitter. Criteria: ACMG Guidelines, 2015. Collection method: clinical testing. Allele origin: germline.
Comment: This missense variant replaces glycine with aspartic acid at codon 1201 of the BRCA1 protein. Computational prediction suggests that this variant may not impact protein structure and function. To our knowledge, functional studies have not been reported for this variant. This variant has not been reported in individuals affected with hereditary cancer in the literature. This variant has not been identified in the general population by the Genome Aggregation Database (gnomAD). The available evidence is insufficient to determine the role of this variant in disease conclusively. Therefore, this variant is classified as a Variant of Uncertain Significance.

Ambry Genetics
Classification: Uncertain significance for Hereditary cancer-predisposing syndrome. Last evaluated: 2024-09-23. Review status: criteria provided, single submitter. Criteria: Ambry Variant Classification Scheme 2023. Collection method: clinical testing. Allele origin: germline.
Comment: The p.G1201D variant (also known as c.3602G>A), located in coding exon 9 of the BRCA1 gene, results from a G to A substitution at nucleotide position 3602. The glycine at codon 1201 is replaced by aspartic acid, an amino acid with similar properties. This amino acid position is not well conserved in available vertebrate species. In addition, this alteration is predicted to be tolerated by in silico analysis. Since supporting evidence is limited at this time, the clinical significance of this alteration remains unclear.

University of Washington Department of Laboratory Medicine, University of Washington
Classification: Likely benign for Hereditary cancer-predisposing syndrome. Last evaluated: 2023-03-23. Review status: criteria provided, single submitter. Criteria: Dines et al. (Genet Med. 2020). Collection method: curation. Allele origin: germline.
Comment: Missense variant in a coldspot region where missense variants are very unlikely to be pathogenic (PMID:31911673).

BRCA1 coldspot (exon 11 using historical exon numbering). Reclassification based on statistical prior probability

Labcorp Genetics (formerly Invitae), Labcorp
Classification: Uncertain significance for Hereditary breast ovarian cancer syndrome. Last evaluated: 2023-02-09. Review status: criteria provided, single submitter. Criteria: Invitae Variant Classification Sherloc (09022015). Collection method: clinical testing. Allele origin: germline.
Comment: In summary, the available evidence is currently insufficient to determine the role of this variant in disease. Therefore, it has been classified as a Variant of Uncertain Significance. Advanced modeling of protein sequence and biophysical properties (such as structural, functional, and spatial information, amino acid conservation, physicochemical variation, residue mobility, and thermodynamic stability) performed at Invitae indicates that this missense variant is not expected to disrupt BRCA1 protein function. ClinVar contains an entry for this variant (Variation ID: 630054). This variant has not been reported in the literature in individuals affected with BRCA1-related conditions. This variant is not present in population databases (gnomAD no frequency). This sequence change replaces glycine, which is neutral and non-polar, with aspartic acid, which is acidic and polar, at codon 1201 of the BRCA1 protein (p.Gly1201Asp).

NM_007294.4(BRCA1):c.3602G>A (p.Gly1201Asp)

Genes: BRCA1 (BRCA1 DNA repair associated; minus strand), LOC126862571 (BRD4-independent group 4 enhancer GRCh37_chr17:41243136-41244335; plus strand). Cytogenetic location: 17q21.31.
Variant type: single nucleotide variant.
Coding change: c.3602G>A on transcript NM_007294.4 (MANE Select); coding-DNA position 3602, G replaced by A.
Protein change: p.Gly1201Asp; replaces glycine 1201 with aspartic acid.
Molecular consequence: missense variant. On other transcripts: intron variant (135).
Genome position (GRCh38, 1-based): chr17:43,091,929, C>T on the plus strand (G>A on the coding strand, the complement: BRCA1 is on the minus strand). VCF-style: chr17-43091929-C-T. GRCh37 (hg19) VCF-style: chr17-41243946-C-T.
Other names: c.3389G>A, p.Gly1130Asp (NM_001407571.1, NM_001407853.1, NM_001407894.1 and 9 more transcripts); c.3602G>A, p.Gly1201Asp (NM_001407581.1, NM_001407582.1, NM_001407583.1 and 30 more transcripts); c.3599G>A, p.Gly1200Asp (NM_001407587.1, NM_001407590.1, NM_001407591.1 and 22 more transcripts); c.3593G>A, p.Gly1198Asp (NM_001407646.1, NM_001407647.1); c.3479G>A, p.Gly1160Asp (NM_001407648.1, NM_001407664.1, NM_001407665.1 and 19 more transcripts); c.3476G>A, p.Gly1159Asp (NM_001407649.1, NM_001407670.1, NM_001407671.1 and 11 more transcripts); c.3524G>A, p.Gly1175Asp (NM_001407653.1, NM_001407654.1, NM_001407655.1 and 4 more transcripts); c.3521G>A, p.Gly1174Asp (NM_001407659.1, NM_001407660.1, NM_001407661.1 and 1 more transcripts); and 41 more; short protein forms G1201D, G1154D, G1073D, G1089D, G1112D, G1133D, G1134D, G1159D.
Identifiers: ClinVar variation 630054 (VCV000630054.23), dbSNP rs1567790971, ClinGen allele CA10594762.